The following is an entry in ClinVar:

NM_020738.4(KIDINS220):c.2729A>G (p.Gln910Arg)

Gene: KIDINS220 (kinase D interacting substrate 220; minus strand). Cytogenetic location: 2p25.1.
Variant type: single nucleotide variant.
Coding change: c.2729A>G on transcript NM_020738.4 (MANE Select); coding-DNA position 2729, A replaced by G.
Protein change: p.Gln910Arg; replaces glutamine 910 with arginine.
Molecular consequence: missense variant. On other transcripts: non-coding transcript variant (2).
Genome position (GRCh38, 1-based): chr2:8,776,867, T>C on the plus strand (A>G on the coding strand, the complement: KIDINS220 is on the minus strand). VCF-style: chr2-8776867-T-C. GRCh37 (hg19) VCF-style: chr2-8916997-T-C.
Other names: c.2732A>G, p.Gln911Arg (NM_001348729.2, NM_001348731.2, NM_001348734.2 and 3 more transcripts); c.2729A>G, p.Gln910Arg (NM_001348732.2, NM_001348735.2, NM_001348738.2 and 3 more transcripts); c.2603A>G, p.Gln868Arg (NM_001348736.2); short protein forms Q868R, Q911R, Q910R.
Identifiers: ClinVar variation 2204860 (VCV002204860.3), dbSNP rs1306876028, ClinGen allele CA345759524.
Genomic context (GRCh38, chr2:8,776,867, plus strand): 5'-CAGTCCTCGGTAACCAGCAGTTTTGTAAGATCAAAGGACATCTGGCGAGTGATGGTCCTC[T>C]GCATCTGCCTTCTTCGGTAAGTGTCCTGAAACAGCACGTCGTCAGTGAGAAGGAACCCAC-3'
Protein context (NP_065789.1, residues 900-920): RRDTYRRRQM[Gln910Arg]RTITRQMSFD

ClinVar aggregate classification (germline): Uncertain significance. Review status: criteria provided, multiple submitters, no conflicts (2 of 4 stars). 2 submissions from 2 submitters: Uncertain significance (2). Last evaluated 2023-04-25.

Conditions:
KIDINS220-related disorder. Also called: KIDINS220-related condition.
Inborn genetic diseases. Identifiers: MedGen C0950123, MeSH D030342.

Allele frequency attached by ClinVar (database versions not stated): TOPMed 0.00001; gnomAD exomes 0.00002.
gnomAD v4.1: 38 of 1,613,938 alleles (0.0024%); highest among the groups gnomAD compares: Non-Finnish European, 0.0029%; no homozygotes.

Submissions (2):

PreventionGenetics, part of Exact Sciences
Classification: Uncertain significance for KIDINS220-related condition. Last evaluated: 2023-04-25. Review status: criteria provided, single submitter. Criteria: ACMG Guidelines, 2015. Collection method: clinical testing. Allele origin: germline.
Comment: The KIDINS220 c.2729A>G variant is predicted to result in the amino acid substitution p.Gln910Arg. To our knowledge, this variant has not been reported in the literature. This variant is reported in 0.00088% of alleles in individuals of European (Non-Finnish) descent in gnomAD. At this time, the clinical significance of this variant is uncertain due to the absence of conclusive functional and genetic evidence.

Ambry Genetics
Classification: Uncertain significance for Inborn genetic diseases. Last evaluated: 2022-04-22. Review status: criteria provided, single submitter. Criteria: Ambry Variant Classification Scheme 2023. Collection method: clinical testing. Allele origin: germline.